The following is an entry in ClinVar:

ClinVar aggregate classification (germline): Uncertain significance. Review status: criteria provided, multiple submitters, no conflicts (2 of 4 stars). 2 submissions from 2 submitters: Uncertain significance (2). Last evaluated 2025-03-08.

Conditions:
Episodic kinesigenic dyskinesia (EKD). Also called: Paroxysmal kinesigenic dyskinesia. Identifiers: Orphanet 98809, MedGen C1868682, MONDO:0044202.
Inborn genetic diseases. Identifiers: MedGen C0950123, MeSH D030342.

Allele frequency attached by ClinVar (database versions not stated): TOPMed below 0.00001; gnomAD 0.00001; gnomAD exomes 0.00001.

Submissions (2):

Ambry Genetics
Classification: Uncertain significance for Inborn genetic diseases. Last evaluated: 2025-03-08. Review status: criteria provided, single submitter. Criteria: Ambry Variant Classification Scheme 2023. Collection method: clinical testing. Allele origin: germline.

Labcorp Genetics (formerly Invitae), Labcorp
Classification: Uncertain significance for Episodic kinesigenic dyskinesia. Last evaluated: 2023-07-08. Review status: criteria provided, single submitter. Criteria: Invitae Variant Classification Sherloc (09022015). Collection method: clinical testing. Allele origin: germline.
Comment: This variant is not present in population databases (gnomAD no frequency). In summary, the available evidence is currently insufficient to determine the role of this variant in disease. Therefore, it has been classified as a Variant of Uncertain Significance. Advanced modeling of protein sequence and biophysical properties (such as structural, functional, and spatial information, amino acid conservation, physicochemical variation, residue mobility, and thermodynamic stability) performed at Invitae indicates that this missense variant is not expected to disrupt PRRT2 protein function. ClinVar contains an entry for this variant (Variation ID: 957151). This variant has not been reported in the literature in individuals affected with PRRT2-related conditions. This sequence change replaces methionine, which is neutral and non-polar, with threonine, which is neutral and polar, at codon 11 of the PRRT2 protein (p.Met11Thr).

NM_145239.3(PRRT2):c.32T>C (p.Met11Thr)

Genes: MVP-DT (MVP divergent transcript; minus strand), PRRT2 (proline rich transmembrane protein 2; plus strand). Cytogenetic location: 16p11.2.
Variant type: single nucleotide variant.
Coding change: c.32T>C on transcript NM_145239.3 (MANE Select); coding-DNA position 32, T replaced by C.
Protein change: p.Met11Thr; replaces methionine 11 with threonine.
Molecular consequence: missense variant.
Genome position (GRCh38, 1-based): chr16:29,813,086, T>C. VCF-style: chr16-29813086-T-C. GRCh37 (hg19) VCF-style: chr16-29824407-T-C.
Other names: c.32T>C, p.Met11Thr (NM_001256442.2, NM_001256443.2); short protein forms M11T.
Identifiers: ClinVar variation 957151 (VCV000957151.11), dbSNP rs796052942, ClinGen allele CA395477027.